The following is an entry in ClinVar:

ClinVar aggregate classification (germline): Uncertain significance (1 of 4 stars; one submission).

Conditions:
Primary ciliary dyskinesia. Also called: Ciliary dyskinesia. Identifiers: Orphanet 244, MedGen C0008780, MONDO:0016575, HP:0012265.

Submission:

Labcorp Genetics (formerly Invitae), Labcorp
Classification: Uncertain significance for Primary ciliary dyskinesia. Last evaluated: 2023-12-31. Review status: criteria provided, single submitter. Criteria: Invitae Variant Classification Sherloc (09022015). Collection method: clinical testing. Allele origin: germline.
Comment: This sequence change replaces arginine, which is basic and polar, with proline, which is neutral and non-polar, at codon 24 of the CCDC114 protein (p.Arg24Pro). This variant is not present in population databases (gnomAD no frequency). This variant has not been reported in the literature in individuals affected with CCDC114-related conditions. An algorithm developed to predict the effect of missense changes on protein structure and function (PolyPhen-2) suggests that this variant is likely to be disruptive. In summary, the available evidence is currently insufficient to determine the role of this variant in disease. Therefore, it has been classified as a Variant of Uncertain Significance.

NM_001364171.2(ODAD1):c.182G>C (p.Arg61Pro)

Gene: ODAD1 (outer dynein arm docking complex subunit 1; minus strand). Cytogenetic location: 19q13.33.
Variant type: single nucleotide variant.
Coding change: c.182G>C on transcript NM_001364171.2 (MANE Select); coding-DNA position 182, G replaced by C.
Protein change: p.Arg61Pro; replaces arginine 61 with proline.
Molecular consequence: missense variant.
Genome position (GRCh38, 1-based): chr19:48,318,565, C>G on the plus strand (G>C on the coding strand, the complement: ODAD1 is on the minus strand). VCF-style: chr19-48318565-C-G. GRCh37 (hg19) VCF-style: chr19-48821822-C-G.
Other names: c.71G>C, p.Arg24Pro (NM_144577.4); short protein forms R24P, R61P.
Identifiers: ClinVar variation 2706717 (VCV002706717.3), dbSNP rs759979512, ClinGen allele CA406666419.